The following is an entry in ClinVar:

NM_199420.4(POLQ):c.4112G>A (p.Cys1371Tyr)

Gene: POLQ (DNA polymerase theta; minus strand). Cytogenetic location: 3q13.33.
Variant type: single nucleotide variant.
Coding change: c.4112G>A on transcript NM_199420.4 (MANE Select); coding-DNA position 4112, G replaced by A.
Protein change: p.Cys1371Tyr; replaces cysteine 1371 with tyrosine.
Molecular consequence: missense variant.
Genome position (GRCh38, 1-based): chr3:121,488,819, C>T on the plus strand (G>A on the coding strand, the complement: POLQ is on the minus strand). VCF-style: chr3-121488819-C-T. GRCh37 (hg19) VCF-style: chr3-121207666-C-T.
Other names: short protein forms C1371Y.
Identifiers: ClinVar variation 2561741 (VCV002561741.2), dbSNP rs770188282, ClinGen allele CA2562959.

ClinVar aggregate classification (germline): Uncertain significance (1 of 4 stars; one submission).

Allele frequency attached by ClinVar (database versions not stated): TOPMed below 0.00001; gnomAD 0.00001; gnomAD exomes 0.00001; ExAC 0.00002.
gnomAD v4.1: 5 of 1,613,762 alleles (0.00031%); highest among the groups gnomAD compares: Admixed American, 0.005%; no homozygotes.

Submission:

Ambry Genetics
Classification: Uncertain significance. Last evaluated: 2023-03-21. Review status: criteria provided, single submitter. Criteria: Ambry Variant Classification Scheme 2023. Collection method: clinical testing. Allele origin: germline.
Comment: The p.C1371Y variant (also known as c.4112G>A), located in coding exon 16 of the POLQ gene, results from a G to A substitution at nucleotide position 4112. The cysteine at codon 1371 is replaced by tyrosine, an amino acid with highly dissimilar properties. This amino acid position is conserved. In addition, this alteration is predicted to be tolerated by in silico analysis. Since supporting evidence is limited at this time, the clinical significance of this alteration remains unclear.